The following is an entry in ClinVar:

ClinVar aggregate classification (germline): Benign (1 of 4 stars; one submission).

Conditions:
CEDNIK syndrome. Also called: CEREBRAL DYSGENESIS, NEUROPATHY, ICHTHYOSIS, AND PALMOPLANTAR KERATODERMA SYNDROME; Cerebral dysgenesis, neuropathy, ichthyosis, and palmoplantar keratoderma. Identifiers: Orphanet 66631, MedGen C1836033, MONDO:0012290, OMIM 609528.

Allele frequency attached by ClinVar (database versions not stated): gnomAD exomes 0.00071; 1000 Genomes Project 0.00998; 1000 Genomes Project 30x 0.01046; gnomAD 0.01047 and 0.01120; TOPMed 0.01127.
gnomAD v4.1: 1,404 of 145,166 alleles (0.97%); highest among the groups gnomAD compares: African/African-American, 3.7%; 19 homozygotes.

Submission:

Illumina Laboratory Services, Illumina
Classification: Benign for CEDNIK syndrome. Last evaluated: 2018-01-13. Review status: criteria provided, single submitter. Criteria: ICSL Variant Classification Criteria 13 December 2019. Collection method: clinical testing. Allele origin: germline.
Comment: This variant was observed in the ICSL laboratory as part of a predisposition screen in an ostensibly healthy population. It had not been previously curated by ICSL or reported in the Human Gene Mutation Database (HGMD: prior to June 1st, 2018), and was therefore a candidate for classification through an automated scoring system. Utilizing variant allele frequency, disease prevalence and penetrance estimates, and inheritance mode, an automated score was calculated to assess if this variant is too frequent to cause the disease. Based on the score and internal cut-off values, a variant classified as benign is not then subjected to further curation. The score for this variant resulted in a classification of benign for this disease.

NM_004782.4(SNAP29):c.*2872G>A

Gene: SNAP29 (synaptosome associated protein 29; plus strand). Cytogenetic location: 22q11.21.
Variant type: single nucleotide variant.
Coding change: c.*2872G>A on transcript NM_004782.4 (MANE Select); 2872 bases downstream of the stop codon, G replaced by A.
Molecular consequence: 3 prime UTR variant.
Genome position (GRCh38, 1-based): chr22:20,890,708, G>A. VCF-style: chr22-20890708-G-A. GRCh37 (hg19) VCF-style: chr22-21244996-G-A.
Identifiers: ClinVar variation 340893 (VCV000340893.5), dbSNP rs111581119, ClinGen allele CA10645162.